The following is an entry in ClinVar:

NM_001042413.2(GLIS3):c.1263C>A (p.Asp421Glu)

Gene: GLIS3 (GLIS family zinc finger 3; minus strand). Cytogenetic location: 9p24.2.
Variant type: single nucleotide variant.
Coding change: c.1263C>A on transcript NM_001042413.2 (MANE Select); coding-DNA position 1263, C replaced by A.
Protein change: p.Asp421Glu; replaces aspartic acid 421 with glutamic acid.
Molecular consequence: missense variant.
Genome position (GRCh38, 1-based): chr9:4,118,215, G>T on the plus strand (C>A on the coding strand, the complement: GLIS3 is on the minus strand). VCF-style: chr9-4118215-G-T. GRCh37 (hg19) VCF-style: chr9-4118215-G-T.
Other names: c.798C>A, p.Asp266Glu (NM_152629.4); short protein forms D266E, D421E.
Identifiers: ClinVar variation 1708746 (VCV001708746.2), dbSNP rs755713904, ClinGen allele CA372806991.
Genomic context (GRCh38, chr9:4,118,215, plus strand): 5'-TACGGTGCTGCCCGGGAACTCCTCCAGGCGTTCGGTCTTGAACAGGCCGGCCGACTGGCT[G>T]TCGGGGCCCGGCAGGCCATGCTGCACCACCATGTGGTTGACCAGGCCTGGCTGCAGGCCG-3'
Protein context (NP_001035878.1, residues 411-431): MVVQHGLPGP[Asp421Glu]SQSAGLFKTE

ClinVar aggregate classification (germline): Uncertain significance (1 of 4 stars; one submission).

Submission:

GeneDx
Classification: Uncertain significance. Last evaluated: 2022-04-08. Review status: criteria provided, single submitter. Criteria: GeneDx Variant Classification Process June 2021. Collection method: clinical testing. Allele origin: germline. Affected: yes.
Comment: Has not been previously published as pathogenic or benign to our knowledge; Not observed at significant frequency in large population cohorts (gnomAD); In silico analysis supports that this missense variant does not alter protein structure/function